The following is an entry in ClinVar:

ClinVar aggregate classification (germline): Likely benign (1 of 4 stars; one submission).

Submission:

CeGaT Center for Human Genetics Tuebingen
Classification: Likely benign. Last evaluated: 2022-10-01. Review status: criteria provided, single submitter. Criteria: CeGaT Center For Human Genetics Tuebingen Variant Classification Criteria Version 2. Collection method: clinical testing. Allele origin: germline. Affected: yes. Observed: 1 variant allele.
Comment: PRG4: BP4, BP7

NM_005807.6(PRG4):c.2286T>C (p.Pro762=)

Gene: PRG4 (proteoglycan 4; plus strand). Cytogenetic location: 1q31.1.
Variant type: single nucleotide variant.
Coding change: c.2286T>C on transcript NM_005807.6 (MANE Select); coding-DNA position 2286, T replaced by C.
Protein change: p.Pro762=; no amino-acid change (proline 762 retained).
Molecular consequence: synonymous variant.
Genome position (GRCh38, 1-based): chr1:186,308,005, T>C. VCF-style: chr1-186308005-T-C. GRCh37 (hg19) VCF-style: chr1-186277137-T-C.
Other names: c.2163T>C, p.Pro721= (NM_001127708.3); c.2007T>C, p.Pro669= (NM_001127709.3); c.1884T>C, p.Pro628= (NM_001127710.3); c.2157T>C, p.Pro719= (NM_001303232.2).
Identifiers: ClinVar variation 2639660 (VCV002639660.24), dbSNP rs879164857, ClinGen allele CA33538060.
Genomic context (GRCh38, chr1:186,308,005, plus strand): 5'-ATCCACCACCTCTGACAAGCCCGCTCCAACTACCCCTAAGGGGACTGCTCCAACTACCCC[T>C]AAGGAGCCTGCTCCAACTACCCCTAAGGAGCCTGCTCCAACTACCCCTAAGGGGACTGCT-3'
Protein context (NP_005798.3, residues 752-772): TTPKGTAPTT[Pro762=]KEPAPTTPKE